The following is an entry in ClinVar:

ClinVar aggregate classification (germline): Pathogenic (1 of 4 stars; one submission).

Conditions:
Nemaline myopathy 2 (NEM2). Also called: Nemaline myopathy 2, autosomal recessive. Identifiers: MedGen C1850569, MONDO:0009725, OMIM 256030.

Submission:

Labcorp Genetics (formerly Invitae), Labcorp
Classification: Pathogenic for Nemaline myopathy 2. Last evaluated: 2023-04-18. Review status: criteria provided, single submitter. Criteria: Invitae Variant Classification Sherloc (09022015). Collection method: clinical testing. Allele origin: germline.
Comment: For these reasons, this variant has been classified as Pathogenic. This variant has not been reported in the literature in individuals affected with NEB-related conditions. This variant is not present in population databases (gnomAD no frequency). This sequence change creates a premature translational stop signal (p.Val3095Glyfs*13) in the NEB gene. It is expected to result in an absent or disrupted protein product. Loss-of-function variants in NEB are known to be pathogenic (PMID: 25205138).

Literature cited by the submitters: PubMed 25205138.

NM_001164508.2(NEB):c.9283dup (p.Val3095fs)

Gene: NEB (nebulin; minus strand). Cytogenetic location: 2q23.3.
Variant type: Duplication.
Coding change: c.9283dup on transcript NM_001164508.2 (MANE Select); coding-DNA position 9283, one base duplicated (G; older notation c.9283dupG).
Protein change: p.Val3095fs; shifts the reading frame from valine 3095.
Molecular consequence: frameshift variant. On other transcripts: intron variant (1).
Genome position (GRCh38, 1-based): chr2:151,633,785, C duplicated on the plus strand (G on the coding strand, the reverse complement: NEB is on the minus strand); the first of 5 consecutive C bases (chr2:151,633,785-151,633,789); duplicating any one gives the same sequence. VCF-style (leftmost placement, unchanged base first): chr2-151633784-A-AC. GRCh37 (hg19) VCF-style: chr2-152490298-A-AC.
Other names: c.9283dup, p.Val3095fs (NM_001164507.2, NM_001271208.2); c.8854-2607dup (NM_004543.5); short protein forms V3095fs.
Identifiers: ClinVar variation 2857382 (VCV002857382.3), dbSNP rs2552239840, ClinGen allele CA2661467393.